The following is an entry in ClinVar:

NM_002907.4(RECQL):c.868-3T>G

Gene: RECQL (RecQ like helicase; minus strand). Cytogenetic location: 12p12.1.
Variant type: single nucleotide variant.
Coding change: c.868-3T>G on transcript NM_002907.4 (MANE Select); 3 bases into the intron before coding-DNA position 868, T replaced by G.
Molecular consequence: intron variant.
Genome position (GRCh38, 1-based): chr12:21,476,995, A>C on the plus strand (T>G on the coding strand, the complement: RECQL is on the minus strand). VCF-style: chr12-21476995-A-C. GRCh37 (hg19) VCF-style: chr12-21629929-A-C.
Other names: c.868-3T>G (NM_032941.3).
Identifiers: ClinVar variation 1510955 (VCV001510955.6), dbSNP rs1943099559, ClinGen allele CA2021150471.

ClinVar aggregate classification (germline): Uncertain significance (1 of 4 stars; one submission).

Allele frequency attached by ClinVar (database versions not stated): TOPMed 0.00001.

Submission:

Labcorp Genetics (formerly Invitae), Labcorp
Classification: Uncertain significance. Last evaluated: 2021-02-17. Review status: criteria provided, single submitter. Criteria: Invitae Variant Classification Sherloc (09022015). Collection method: clinical testing. Allele origin: germline.
Comment: This sequence change falls in intron 7 of the RECQL gene. It does not directly change the encoded amino acid sequence of the RECQL protein. It affects a nucleotide within the consensus splice site of the intron. In summary, the available evidence is currently insufficient to determine the role of this variant in disease. Therefore, it has been classified as a Variant of Uncertain Significance. Nucleotide substitutions within the consensus splice site are a relatively common cause of aberrant splicing (PMID: 17576681, 9536098). Algorithms developed to predict the effect of sequence changes on RNA splicing suggest that this variant may disrupt the consensus splice site, but this prediction has not been confirmed by published transcriptional studies. This variant has not been reported in the literature in individuals with RECQL-related conditions. This variant is not present in population databases (ExAC no frequency).

Literature cited by the submitters: PubMed 17576681; PubMed 9536098.